The following is an entry in ClinVar:

ClinVar aggregate classification (germline): Pathogenic. Review status: criteria provided, multiple submitters, no conflicts (2 of 4 stars). 14 submissions from 14 submitters: Pathogenic (14). Last evaluated 2026-01-02.

Conditions:
MEN1-related disorder. Also called: MEN1-related condition.
Hereditary cancer-predisposing syndrome. Also called: Neoplastic Syndromes, Hereditary; Tumor predisposition; Hereditary Cancer Syndrome; Hereditary neoplastic syndrome. Identifiers: Orphanet 140162, MedGen C0027672, MeSH D009386, MONDO:0015356.
Multiple endocrine neoplasia, type 1 (MEN1). Also called: MEN I; WERMER SYNDROME; Endocrine adenomatosis multiple; MEN 1; MEA I. Identifiers: Orphanet 652, MedGen C0025267, MeSH D018761, MONDO:0007540, OMIM 131100.

Allele frequency attached by ClinVar (database versions not stated): gnomAD 0.00001.

Submissions 1 to 11 of 14:

Labcorp Genetics (formerly Invitae), Labcorp
Classification: Pathogenic for Multiple endocrine neoplasia, type 1. Last evaluated: 2026-01-02. Review status: criteria provided, single submitter. Criteria: Invitae Variant Classification Sherloc (09022015). Collection method: clinical testing. Allele origin: germline.
Comment: This sequence change creates a premature translational stop signal (p.Arg415*) in the MEN1 gene. It is expected to result in an absent or disrupted protein product. Loss-of-function variants in MEN1 are known to be pathogenic (PMID: 12112656, 17853334). This variant is not present in population databases (gnomAD no frequency). This premature translational stop signal has been observed in individual(s) with multiple endocrine neoplasia type 1 (PMID: 9215690, 9329390, 11836268, 15670192, 17555499, 20833329, 25824098). It has also been observed to segregate with disease in related individuals. Invitae Evidence Modeling of clinical and family history, age, sex, and reported ancestry of multiple individuals with this MEN1 variant has been performed. This variant is expected to be pathogenic with a positive predictive value of at least 99%. This is a validated machine learning model that incorporates the clinical features of 1,366,787 individuals referred to our laboratory for MEN1 testing. This variant is also known as c.1258C>T, p.R420X. ClinVar contains an entry for this variant (Variation ID: 403802). For these reasons, this variant has been classified as Pathogenic.

Mayo Clinic Laboratories, Mayo Clinic
Classification: Pathogenic. Last evaluated: 2025-08-14. Review status: criteria provided, single submitter. Criteria: ACMG Guidelines, 2015. Collection method: clinical testing. Allele origin: germline. Observed: 1 variant allele.
Comment: PP1_strong, PM2_supporting, PS4_moderate, PVS1

Ambry Genetics
Classification: Pathogenic for Hereditary cancer-predisposing syndrome. Last evaluated: 2025-05-12. Review status: criteria provided, single submitter. Criteria: Ambry Variant Classification Scheme 2023. Collection method: clinical testing. Allele origin: germline.
Comment: The p.R415* pathogenic mutation (also known as c.1243C>T), located in coding exon 8 of the MEN1 gene, results from a C to T substitution at nucleotide position 1243. This changes the amino acid from an arginine to a stop codon within coding exon 8. This alteration was among the first mutations to be identified in the MEN1 gene and has since been described in numerous individuals with classic findings of multiple endocrine neoplasia type 1 (MEN1) (Lemmens I et al. Hum. Mol. Genet. 1997 Jul;6(7):1177-83; Morelli A et al. Eur. J. Endocrinol. 2000 Feb;142(2):131-7; Klein RD et al. Genet. Med. 2005 Feb;7(2):131-8; Filopanti M et al. Eur. J. Endocrinol. 2012 Aug;167(2):157-64; Chung YJ et al. Endocrinol. Metab. (Seoul) 2014 Sep;29(3):270-9; Pardi E et al. PLoS One. 2017 Oct;12(10):e0186485). One review article estimated that the p.R415* mutation had been identified in 1.5% of reported MEN1 families (Lemos MC et al. Hum. Mutat. 2008 Jan;29(1):22-32). In addition to the clinical data presented in the literature, this alteration is expected to result in loss of function by premature protein truncation or nonsense-mediated mRNA decay. As such, this alteration is interpreted as a disease-causing mutation.

Molecular Diagnostics Laboratory, Catalan Institute of Oncology
Classification: Pathogenic for Hereditary cancer-predisposing syndrome. Last evaluated: 2024-10-13. Review status: criteria provided, single submitter. Criteria: ACMG Guidelines, 2015. Collection method: clinical testing. Allele origin: germline.
Comment: PVS1, PM2_Supporting, PP4_Moderate c.1258C>T, located in exon 9 of the MEN1 gene, is a nonsense variant expected to result in loss of function by premature protein truncation and nonsense-mediated mRNA decay (PVS1). It is not present in the population database gnomAD v2.1.1, non-cancer dataset (PM2_supporting). To our knowledge, no well-established functional studies have been reported for this variant. MEN1:c.1258C>T has been identified in several patients affected with multiple endocrine neoplasia type 1 (PMID: 34183184, 29927501, 9215690, 29036195, 28870973, 25824098, 24915123, 22577108, 22026581) (PP4_moderate). This variant has been reported in the ClinVar database (9x pathogenic), and it has not been reported in LOVD. Based on currently available information, the variant c.1258C>T should be considered a pathogenic variant.

Women's Health and Genetics/Laboratory Corporation of America, LabCorp
Classification: Pathogenic for Multiple endocrine neoplasia, type 1. Last evaluated: 2024-04-23. Review status: criteria provided, single submitter. Criteria: LabCorp Variant Classification Summary - May 2015. Collection method: clinical testing. Allele origin: germline.
Comment: Variant summary: MEN1 c.1243C>T (p.Arg415X) results in a premature termination codon, predicted to cause a truncation of the encoded protein or absence of the protein due to nonsense mediated decay, which are commonly known mechanisms for disease. The variant was absent in 251116 control chromosomes. c.1243C>T has been reported in the literature in multiple individuals affected with Multiple Endocrine Neoplasia Type 1 and segregated with disease in at least one family (e.g. Lemmens_1997, Marini_2018). These data indicate that the variant is very likely to be associated with disease. The following publications have been ascertained in the context of this evaluation (PMID: 9215690, 29497973). ClinVar contains an entry for this variant (Variation ID: 403802). Based on the evidence outlined above, the variant was classified as pathogenic.

Department of Pathology and Laboratory Medicine, Sinai Health System
Classification: Pathogenic for Multiple endocrine neoplasia, type 1. Last evaluated: 2024-01-12. Review status: criteria provided, single submitter. Criteria: ACMG Guidelines, 2015. Collection method: clinical testing. Allele origin: germline. Affected: yes.

Blueprint Genetics
Classification: Pathogenic for MEN1-related disorders. Last evaluated: 2023-11-21. Review status: criteria provided, single submitter. Criteria: ACMG Guidelines, 2015. Collection method: clinical testing. Allele origin: germline. Affected: yes. Observed: 1 variant allele.

All of Us Research Program, National Institutes of Health
Classification: Pathogenic for Multiple endocrine neoplasia, type 1. Last evaluated: 2023-10-23. Review status: criteria provided, single submitter. Criteria: ACMG Guidelines, 2015. Collection method: clinical testing. Allele origin: germline. Inheritance: Autosomal dominant inheritance. Observed: 1 variant allele, 1 heterozygote.
Comment: This variant changes 1 nucleotide in exon 9 of the MEN1 gene, creating a premature translation stop signal. This variant is expected to result in an absent or non-functional protein product. This variant has been reported as a recurrent mutation found in individuals and families affected with MEN1 (PMID: 9215690, 9329390, 10664520, 11836268, 12112656, 15670192, 17555499, 17853334, 22026581, 25309785, 25824098, 28298337, 28870973, 29036195, 29927501, 30324798, 34183184). This variant has not been identified in the general population by the Genome Aggregation Database (gnomAD). Loss of MEN1 function is a known mechanism of disease. Based on the available evidence, this variant is classified as Pathogenic.

This study involves interpretation of variants in research participants for the purpose of population health screening. Participant phenotype was not available at the time of variant classification. Additional details can be found in publication PMID: 35346344, PMCID: PMC8962531

GeneDx
Classification: Pathogenic. Last evaluated: 2023-09-08. Review status: criteria provided, single submitter. Criteria: GeneDx Variant Classification Process June 2021. Collection method: clinical testing. Allele origin: germline. Affected: yes.
Comment: Nonsense variant predicted to result in protein truncation or nonsense mediated decay in a gene for which loss of function is a known mechanism of disease; Not observed at significant frequency in large population cohorts (gnomAD); This variant is associated with the following publications: (PMID: 25309785, 15670192, 34655802, 10870030, 9215690, 22577108, 24997771, 25525159, 19461164, 22026581, 26767918, 28693130, 17555499, 20833329, 29927501, 29625052, 10664520, 10812010, 12652570, 11836268, 36451132, 12112656, 29036195, 30324798, 28870973)

Color Diagnostics, LLC DBA Color Health
Classification: Pathogenic for Multiple endocrine neoplasia, type 1. Last evaluated: 2023-09-06. Review status: criteria provided, single submitter. Criteria: ACMG Guidelines, 2015. Collection method: clinical testing. Allele origin: germline.
Comment: This variant changes 1 nucleotide in exon 9 of the MEN1 gene, creating a premature translation stop signal. This variant is expected to result in an absent or non-functional protein product. This variant has been reported as a recurrent mutation found in individuals and families affected with MEN1 (PMID: 9215690, 9329390, 10664520, 11836268, 12112656, 15670192, 17555499, 17853334, 22026581, 25309785, 25824098, 28298337, 28870973, 29036195, 29927501, 30324798, 34183184). This variant has not been identified in the general population by the Genome Aggregation Database (gnomAD). Loss of MEN1 function is a known mechanism of disease. Based on the available evidence, this variant is classified as Pathogenic.

Myriad Genetics, Inc.
Classification: Pathogenic for Multiple endocrine neoplasia, type 1. Last evaluated: 2023-08-01. Review status: criteria provided, single submitter. Criteria: Myriad Autosomal Dominant, Autosomal Recessive and X-Linked Classification Criteria (2023). Collection method: clinical testing. Allele origin: unknown.
Comment: This variant is considered pathogenic. This variant creates a termination codon and is predicted to result in premature protein truncation.

NM_001370259.2(MEN1):c.1243C>T (p.Arg415Ter)

Gene: MEN1 (menin 1; minus strand). Cytogenetic location: 11q13.1.
Variant type: single nucleotide variant.
Coding change: c.1243C>T on transcript NM_001370259.2 (MANE Select); coding-DNA position 1243, C replaced by T.
Protein change: p.Arg415Ter; replaces arginine 415 with a stop codon.
Molecular consequence: nonsense.
Genome position (GRCh38, 1-based): chr11:64,805,141, G>A on the plus strand (C>T on the coding strand, the complement: MEN1 is on the minus strand). VCF-style: chr11-64805141-G-A. GRCh37 (hg19) VCF-style: chr11-64572613-G-A.
Other names: p.Arg415*; c.1258C>T, p.Arg420Ter (NM_000244.4, NM_130800.3, NM_130801.3 and 3 more transcripts); c.1369C>T, p.Arg457Ter (NM_001370251.2); c.1243C>T, p.Arg415Ter (NM_001370260.2, NM_001370261.2, NM_130799.3); c.1138C>T, p.Arg380Ter (NM_001370262.2, NM_001370263.2); short protein forms R415*, R420*, R457*, R380*.
Identifiers: ClinVar variation 403802 (VCV000403802.27), dbSNP rs1060499974, ClinGen allele CA16613380.